The following is an entry in ClinVar:

NM_001379200.1(TBX1):c.202G>C (p.Gly68Arg)

Gene: TBX1 (T-box transcription factor 1; plus strand). Cytogenetic location: 22q11.21.
Variant type: single nucleotide variant.
Coding change: c.202G>C on transcript NM_001379200.1 (MANE Select); coding-DNA position 202, G replaced by C.
Protein change: p.Gly68Arg; replaces glycine 68 with arginine.
Molecular consequence: missense variant.
Genome position (GRCh38, 1-based): chr22:19,761,045, G>C. VCF-style: chr22-19761045-G-C. GRCh37 (hg19) VCF-style: chr22-19748568-G-C.
Other names: c.175G>C, p.Gly59Arg (NM_005992.1, NM_080646.2, NM_080647.1); short protein forms G59R, G68R.
Identifiers: ClinVar variation 4865333 (VCV004865333.1).
Genomic context (GRCh38, chr22:19,761,045, plus strand): 5'-GGCCCGCGCGAGCCCCCGCCGCCGCCGCCGCGCTACGACCCGTGCGCCGCCGCCGCCCCC[G>C]GCGCCCCGGGCCCGCCGCCGCCGCCGCACGCCTACCCGTTTGCGCCGGCCGCCGGGGCCG-3'
Protein context (NP_001366129.1, residues 58-78): RYDPCAAAAP[Gly68Arg]APGPPPPPHA

ClinVar aggregate classification (germline): Uncertain significance (1 of 4 stars; one submission).

Conditions:
Cardiovascular phenotype. Identifiers: MedGen CN230736.

Submission:

Ambry Genetics
Classification: Uncertain significance for Cardiovascular phenotype. Last evaluated: 2026-04-23. Review status: criteria provided, single submitter. Criteria: Ambry Variant Classification Scheme 2023. Collection method: clinical testing. Allele origin: germline.
Comment: The p.G59R variant (also known as c.175G>C), located in coding exon 2 of the TBX1 gene, results from a G to C substitution at nucleotide position 175. The glycine at codon 59 is replaced by arginine, an amino acid with dissimilar properties. This amino acid position is conserved. In addition, this alteration is predicted to be tolerated by in silico analysis. Based on the available evidence, the clinical significance of this variant remains unclear.